The following is an entry in ClinVar:

NM_020738.4(KIDINS220):c.377A>T (p.His126Leu)

Gene: KIDINS220 (kinase D interacting substrate 220; minus strand). Cytogenetic location: 2p25.1.
Variant type: single nucleotide variant.
Coding change: c.377A>T on transcript NM_020738.4 (MANE Select); coding-DNA position 377, A replaced by T.
Protein change: p.His126Leu; replaces histidine 126 with leucine.
Molecular consequence: missense variant. On other transcripts: non-coding transcript variant (2).
Genome position (GRCh38, 1-based): chr2:8,813,265, T>A on the plus strand (A>T on the coding strand, the complement: KIDINS220 is on the minus strand). VCF-style: chr2-8813265-T-A. GRCh37 (hg19) VCF-style: chr2-8953395-T-A.
Other names: c.377A>T, p.His126Leu (NM_001348729.2, NM_001348731.2, NM_001348732.2 and 9 more transcripts); c.251A>T, p.His84Leu (NM_001348736.2); short protein forms H126L, H84L.
Identifiers: ClinVar variation 2537895 (VCV002537895.5), dbSNP rs777873298, ClinGen allele CA1520447.

ClinVar aggregate classification (germline): Conflicting classifications of pathogenicity. Review status: criteria provided, conflicting classifications (1 of 4 stars). 2 submissions from 2 submitters: Uncertain significance (1); Likely benign (1). Last evaluated 2023-06-01.

Conditions:
Inborn genetic diseases. Identifiers: MedGen C0950123, MeSH D030342.

Allele frequency attached by ClinVar (database versions not stated): gnomAD exomes 0.00001; gnomAD 0.00003; ExAC 0.00007; TOPMed 0.00007.
gnomAD v4.1: 23 of 1,612,228 alleles (0.0014%); highest among the groups gnomAD compares: East Asian, 0.049%; no homozygotes.

Submissions (2):

Ambry Genetics
Classification: Likely benign for Inborn genetic diseases. Last evaluated: 2023-06-01. Review status: criteria provided, single submitter. Criteria: Ambry Variant Classification Scheme 2023. Collection method: clinical testing. Allele origin: germline.

Labcorp Genetics (formerly Invitae), Labcorp
Classification: Uncertain significance. Last evaluated: 2023-01-26. Review status: criteria provided, single submitter. Criteria: Invitae Variant Classification Sherloc (09022015). Collection method: clinical testing. Allele origin: germline.
Comment: In summary, the available evidence is currently insufficient to determine the role of this variant in disease. Therefore, it has been classified as a Variant of Uncertain Significance. Algorithms developed to predict the effect of missense changes on protein structure and function (SIFT, PolyPhen-2, Align-GVGD) all suggest that this variant is likely to be tolerated. This variant has not been reported in the literature in individuals affected with KIDINS220-related conditions. This variant is present in population databases (rs777873298, gnomAD 0.1%). This sequence change replaces histidine, which is basic and polar, with leucine, which is neutral and non-polar, at codon 126 of the KIDINS220 protein (p.His126Leu).